The following is an entry in ClinVar:

NM_004415.4(DSP):c.4473_4495dup (p.Cys1499fs)

Gene: DSP (desmoplakin; plus strand). Cytogenetic location: 6p24.3.
Variant type: Duplication.
Coding change: c.4473_4495dup on transcript NM_004415.4 (MANE Select); coding-DNA positions 4473 to 4495, 23 bases duplicated (CAAAGAAACAAATGACCGGAAAT).
Protein change: p.Cys1499fs; shifts the reading frame from cysteine 1499.
Molecular consequence: frameshift variant. On other transcripts: intron variant (2).
Genome position (GRCh38, 1-based): chr6:7,580,663-7,580,685, CAAAGAAACAAATGACCGGAAAT duplicated. VCF-style (leftmost placement, unchanged base first): chr6-7580662-A-ACAAAGAAACAAATGACCGGAAAT. GRCh37 (hg19) VCF-style: chr6-7580895-A-ACAAAGAAACAAATGACCGGAAAT.
Other names: c.4050+423_4050+445dup (NM_001319034.2); c.3582+891_3582+913dup (NM_001008844.3); short protein forms C1499fs.
Identifiers: ClinVar variation 3376617 (VCV003376617.1).

ClinVar aggregate classification (germline): Likely pathogenic (1 of 4 stars; one submission).

Conditions:
Dilated cardiomyopathy 1G (CMD1G). Identifiers: Orphanet 154, MedGen C1858763, MONDO:0011400, OMIM 604145.

Submission:

Victorian Clinical Genetics Services, Murdoch Childrens Research Institute
Classification: Likely pathogenic for Dilated cardiomyopathy 1G. Last evaluated: 2022-02-02. Review status: criteria provided, single submitter. Criteria: ACMG Guidelines, 2015. Collection method: clinical testing. Allele origin: germline. Inheritance: Autosomal dominant inheritance.
Comment: Based on the classification scheme VCGS_Germline_v1.3.4, this variant is classified as likely pathogenic. Following criteria are met: 0102 - Loss of function is a known mechanism of disease in this gene and is associated with ARVC (MIM#607450) and other DSP-related cardiac disorders. (I) 0108 - This gene is associated with both recessive and dominant disease. Variants in this gene are usually inherited in a dominant manner, however rare reports of recessive inheritance have resulted in a more severe cardiac phenotype (OMIM). (I) 0115 - Variants in this gene are known to have variable expressivity. Age-dependent penetrance and variable expressivity are well-described aspects of arrhythmogenic cardiomyopathy (PMID: 29062697). (I) 0201 - Variant is predicted to cause nonsense-mediated decay (NMD) and loss of protein (premature termination codon is located at least 54 nucleotides upstream of the final exon-exon junction). (SP) 0251 - This variant is heterozygous. (I) 0301 - Variant is absent from gnomAD (both v2 and v3). (SP) 0701 - Other NMD-predicted variants comparable to the one identified in this case have very strong previous evidence for pathogenicity. At least ten other NMD-predicted variants have been reported as pathogenic or likely pathogenic in individuals with dilated cardiomyopathy (PMID: 27532257, ClinVar). (SP) 0807 - This variant has no previous evidence of pathogenicity. (I) 0905 - No published segregation evidence has been identified for this variant. (I) 1007 - No published functional evidence has been identified for this variant. (I) 1208 - Inheritance information for this variant is not currently available in this individual. (I) Legend: (SP) - Supporting pathogenic, (I) - Information, (SB) - Supporting benign

Literature cited by the submitters: PubMed 27532257; PubMed 29062697.